The following is an entry in ClinVar:

NM_001367479.1(DNAH14):c.1927C>G (p.Leu643Val)

Gene: DNAH14 (dynein axonemal heavy chain 14; plus strand). Cytogenetic location: 1q42.12.
Variant type: single nucleotide variant.
Coding change: c.1927C>G on transcript NM_001367479.1 (MANE Select); coding-DNA position 1927, C replaced by G.
Protein change: p.Leu643Val; replaces leucine 643 with valine.
Molecular consequence: missense variant.
Genome position (GRCh38, 1-based): chr1:225,050,224, C>G. VCF-style: chr1-225050224-C-G. GRCh37 (hg19) VCF-style: chr1-225237926-C-G.
Other names: NM_001373.1:c.1927C>G; short protein forms L643V.
Identifiers: ClinVar variation 3897112 (VCV003897112.1).

ClinVar aggregate classification (germline): Uncertain significance (1 of 4 stars; one submission).

gnomAD v4.1: 2 of 1,537,012 alleles (0.00013%); highest among the groups gnomAD compares: Non-Finnish European, 0.00017%; no homozygotes.

Submission:

GeneDx
Classification: Uncertain significance. Last evaluated: 2024-11-03. Review status: criteria provided, single submitter. Criteria: GeneDx Variant Classification Process June 2021. Collection method: clinical testing. Allele origin: germline. Affected: yes.
Comment: Not observed at significant frequency in large population cohorts (gnomAD); In silico analysis indicates that this missense variant does not alter protein structure/function; Has not been previously published as pathogenic or benign to our knowledge